The following is an entry in ClinVar:

ClinVar aggregate classification (germline): Pathogenic. Review status: criteria provided, multiple submitters, no conflicts (2 of 4 stars). 4 submissions from 4 submitters: Pathogenic (4). Last evaluated 2024-10-10.

Conditions:
Rubinstein-Taybi syndrome due to CREBBP mutations (RSTS1). Also called: Rubinstein-Taybi syndrome 1; RUBINSTEIN-TAYBI SYNDROME 1, INCOMPLETE; BROAD THUMBS AND GREAT TOES, CHARACTERISTIC FACIES, AND IMPAIRED INTELLECTUAL DEVELOPMENT; RUBINSTEIN SYNDROME; CREBBP-Related Rubinstein-Taybi Syndrome; BROAD THUMB-HALLUX SYNDROME. Identifiers: Orphanet 353277, Orphanet 783, MedGen C4551859, MONDO:0008393, OMIM 180849.
Rubinstein-Taybi syndrome (RSTS). Identifiers: Orphanet 783, MedGen C0035934, MONDO:0019188.

Submissions (4):

3billion
Classification: Pathogenic for Rubinstein-Taybi syndrome due to CREBBP mutations. Last evaluated: 2024-10-10. Review status: criteria provided, single submitter. Criteria: ACMG Guidelines, 2015. Collection method: clinical testing. Allele origin: germline. Affected: yes.
Comment: The variant is not observed in the gnomAD v4.1.0 dataset. Predicted Consequence/Location: Stop-gained (nonsense): predicted to result in a loss or disruption of normal protein function through nonsense-mediated decay (NMD) or protein truncation. Multiple pathogenic variants are reported downstream of the variant. The variant has been reported at least twice as pathogenic with clinical assertions and evidence for the classification (ClinVar ID: VCV002137771 /PMID: 25108505). Therefore, this variant is classified as Pathogenic according to the recommendation of ACMG/AMP guideline.

Labcorp Genetics (formerly Invitae), Labcorp
Classification: Pathogenic for Rubinstein-Taybi syndrome. Last evaluated: 2024-10-05. Review status: criteria provided, single submitter. Criteria: Invitae Variant Classification Sherloc (09022015). Collection method: clinical testing. Allele origin: germline.
Comment: This sequence change creates a premature translational stop signal (p.Arg1103*) in the CREBBP gene. It is expected to result in an absent or disrupted protein product. Loss-of-function variants in CREBBP are known to be pathogenic (PMID: 17052327, 18792986). This variant is not present in population databases (gnomAD no frequency). This premature translational stop signal has been observed in individual(s) with Rubinstein-Taybi syndrome (PMID: 25108505). ClinVar contains an entry for this variant (Variation ID: 2137771). For these reasons, this variant has been classified as Pathogenic.

Clinical Genetics Laboratory, Skane University Hospital Lund
Classification: Pathogenic. Last evaluated: 2024-03-08. Review status: criteria provided, single submitter. Criteria: ACMG Guidelines, 2015. Collection method: clinical testing. Allele origin: germline. Affected: yes.

GeneDx
Classification: Pathogenic. Last evaluated: 2023-08-10. Review status: criteria provided, single submitter. Criteria: GeneDx Variant Classification Process June 2021. Collection method: clinical testing. Allele origin: germline. Affected: yes.
Comment: Reported in several individuals in published literature with features of Rubinstein-Taybi syndrome (Lee et al., 2015; Matsuguma et al., 2022); Nonsense variant predicted to result in protein truncation or nonsense mediated decay in a gene for which loss of function is a known mechanism of disease; Not observed at significant frequency in large population cohorts (gnomAD); This variant is associated with the following publications: (PMID: 34427995, 34507883, 25108505)

Literature cited by the submitters: PubMed 25108505 (cited by 3billion and Labcorp Genetics (formerly Invitae), Labcorp); PubMed 17052327 (cited by Labcorp Genetics (formerly Invitae), Labcorp); PubMed 18792986 (cited by Labcorp Genetics (formerly Invitae), Labcorp).

NM_004380.3(CREBBP):c.3307C>T (p.Arg1103Ter)

Gene: CREBBP (CREB binding lysine acetyltransferase; minus strand). Cytogenetic location: 16p13.3.
Variant type: single nucleotide variant.
Coding change: c.3307C>T on transcript NM_004380.3 (MANE Select); coding-DNA position 3307, C replaced by T.
Protein change: p.Arg1103Ter; replaces arginine 1103 with a stop codon.
Molecular consequence: nonsense.
Genome position (GRCh38, 1-based): chr16:3,758,916, G>A on the plus strand (C>T on the coding strand, the complement: CREBBP is on the minus strand). VCF-style: chr16-3758916-G-A. GRCh37 (hg19) VCF-style: chr16-3808917-G-A.
Other names: c.3193C>T, p.Arg1065Ter (NM_001079846.1); c.3307C>T (NM_004380.2); short protein forms R1103*, R1065*.
Identifiers: ClinVar variation 2137771 (VCV002137771.7), dbSNP rs2151385663, ClinGen allele CA394569552.